The following is an entry in ClinVar:

NM_002691.4(POLD1):c.1494+4C>A

Gene: POLD1 (DNA polymerase delta 1, catalytic subunit; plus strand). Cytogenetic location: 19q13.33.
Variant type: single nucleotide variant.
Coding change: c.1494+4C>A on transcript NM_002691.4 (MANE Select); 4 bases into the intron after coding-DNA position 1494, C replaced by A.
Molecular consequence: intron variant.
Genome position (GRCh38, 1-based): chr19:50,406,521, C>A. VCF-style: chr19-50406521-C-A. GRCh37 (hg19) VCF-style: chr19-50909778-C-A.
Other names: c.1494+4C>A (NM_001256849.1, NM_001308632.1).
Identifiers: ClinVar variation 861194 (VCV000861194.7), dbSNP rs1484829299, ClinGen allele CA916082474.

ClinVar aggregate classification (germline): Uncertain significance (1 of 4 stars; one submission).

Conditions:
POLD1-related polyposis and colorectal cancer syndrome (CRCS10). Also called: Colorectal cancer 10; COLORECTAL CANCER, SUSCEPTIBILITY TO, ON CHROMOSOME 19q; Colorectal cancer, susceptibility to, 10. Identifiers: Orphanet 220460, MedGen C2675481, MONDO:0012953, OMIM 612591.

Submission:

Labcorp Genetics (formerly Invitae), Labcorp
Classification: Uncertain significance for POLD1-related polyposis and colorectal cancer syndrome. Last evaluated: 2021-08-28. Review status: criteria provided, single submitter. Criteria: Invitae Variant Classification Sherloc (09022015). Collection method: clinical testing. Allele origin: germline.
Comment: In summary, the available evidence is currently insufficient to determine the role of this variant in disease. Therefore, it has been classified as a Variant of Uncertain Significance. Variants that disrupt the consensus splice site are a relatively common cause of aberrant splicing (PMID: 17576681, 9536098). Algorithms developed to predict the effect of sequence changes on RNA splicing suggest that this variant may create or strengthen a splice site. This variant has not been reported in the literature in individuals affected with POLD1-related conditions. This variant is not present in population databases (ExAC no frequency). This sequence change falls in intron 12 of the POLD1 gene. It does not directly change the encoded amino acid sequence of the POLD1 protein. It affects a nucleotide within the consensus splice site of the intron.

Literature cited by the submitters: PubMed 17576681; PubMed 9536098.